The following is an entry in ClinVar:

ClinVar aggregate classification (germline): Uncertain significance (1 of 4 stars; one submission).

Submission:

CeGaT Center for Human Genetics Tuebingen
Classification: Uncertain significance. Last evaluated: 2023-11-01. Review status: criteria provided, single submitter. Criteria: CeGaT Center For Human Genetics Tuebingen Variant Classification Criteria Version 2. Collection method: clinical testing. Allele origin: germline. Affected: yes. Observed: 1 variant allele.
Comment: NFIB: PM2

NM_001369458.1(NFIB):c.97-91037dup

Gene: NFIB (nuclear factor I B; minus strand). Cytogenetic location: 9p22.3.
Variant type: Duplication.
Coding change: c.97-91037dup on transcript NM_001369458.1; 91037 bases into the intron before coding-DNA position 97, one base duplicated (T; older notation c.97-91037dupT).
Molecular consequence: intron variant. On other transcripts: nonsense (1).
Genome position (GRCh38, 1-based): chr9:14,398,557, A duplicated on the plus strand (T on the coding strand, the reverse complement: NFIB is on the minus strand). VCF-style (leftmost placement, unchanged base first): chr9-14398556-T-TA. GRCh37 (hg19) VCF-style: chr9-14398555-T-TA.
Other names: c.75dup, p.Lys26Ter (NM_001190738.2); c.97-91037dup (NM_001369468.1, NM_001369462.1, NM_001369459.1); short protein forms K26*.
Identifiers: ClinVar variation 2673169 (VCV002673169.21), dbSNP rs2539258596, ClinGen allele CA2689430553.